The following is an entry in ClinVar:

ClinVar aggregate classification (germline): Uncertain significance (1 of 4 stars; one submission).

Allele frequency attached by ClinVar (database versions not stated): gnomAD exomes below 0.00001.
gnomAD v4.1: 1 of 1,551,712 alleles (0.000064%); highest among the groups gnomAD compares: Non-Finnish European, 0.000087%; no homozygotes.

Submission:

Labcorp Genetics (formerly Invitae), Labcorp
Classification: Uncertain significance. Last evaluated: 2021-12-20. Review status: criteria provided, single submitter. Criteria: Invitae Variant Classification Sherloc (09022015). Collection method: clinical testing. Allele origin: germline.
Comment: In summary, the available evidence is currently insufficient to determine the role of this variant in disease. Therefore, it has been classified as a Variant of Uncertain Significance. Algorithms developed to predict the effect of missense changes on protein structure and function are either unavailable or do not agree on the potential impact of this missense change (SIFT: "Not Available"; PolyPhen-2: "Benign"; Align-GVGD: "Not Available"). This variant has not been reported in the literature in individuals affected with UNC80-related conditions. This variant is not present in population databases (gnomAD no frequency). This sequence change replaces methionine, which is neutral and non-polar, with threonine, which is neutral and polar, at codon 362 of the UNC80 protein (p.Met362Thr).

NM_001371986.1(UNC80):c.1085T>C (p.Met362Thr)

Gene: UNC80 (unc-80 subunit of NALCN channel complex; plus strand). Cytogenetic location: 2q34.
Variant type: single nucleotide variant.
Coding change: c.1085T>C on transcript NM_001371986.1 (MANE Select); coding-DNA position 1085, T replaced by C.
Protein change: p.Met362Thr; replaces methionine 362 with threonine.
Molecular consequence: missense variant.
Genome position (GRCh38, 1-based): chr2:209,813,726, T>C. VCF-style: chr2-209813726-T-C. GRCh37 (hg19) VCF-style: chr2-210678450-T-C.
Other names: c.1085T>C, p.Met362Thr (NM_032504.2, NM_182587.4); short protein forms M362T.
Identifiers: ClinVar variation 2049891 (VCV002049891.4), dbSNP rs2470958098, ClinGen allele CA350133237.
Genomic context (GRCh38, chr2:209,813,726, plus strand): 5'-ATTGGTCTGAGGAAGGCACTCAGTGGTCTCTGATGTACTATCTACAAAGGCTGCGACACA[T>C]GTTGGAAGAGAAGCCAGAAAAGCCTCCGGAGCCAGATATTCCTCTCCTGCCCAGACCCAG-3'
Protein context (NP_001358915.1, residues 352-372): LMYYLQRLRH[Met362Thr]LEEKPEKPPE